The following is an entry in ClinVar:

NM_001792.5(CDH2):c.1024G>C (p.Val342Leu)

Gene: CDH2 (cadherin 2; minus strand). Cytogenetic location: 18q12.1.
Variant type: single nucleotide variant.
Coding change: c.1024G>C on transcript NM_001792.5 (MANE Select); coding-DNA position 1024, G replaced by C.
Protein change: p.Val342Leu; replaces valine 342 with leucine.
Molecular consequence: missense variant.
Genome position (GRCh38, 1-based): chr18:27,993,634, C>G on the plus strand (G>C on the coding strand, the complement: CDH2 is on the minus strand). VCF-style: chr18-27993634-C-G. GRCh37 (hg19) VCF-style: chr18-25573598-C-G.
Other names: c.931G>C, p.Val311Leu (NM_001308176.2); short protein forms V311L, V342L.
Identifiers: ClinVar variation 3644472 (VCV003644472.2).

ClinVar aggregate classification (germline): Uncertain significance (1 of 4 stars; one submission).

Submission:

Labcorp Genetics (formerly Invitae), Labcorp
Classification: Uncertain significance. Last evaluated: 2024-03-11. Review status: criteria provided, single submitter. Criteria: Invitae Variant Classification Sherloc (09022015). Collection method: clinical testing. Allele origin: germline.
Comment: This sequence change replaces valine, which is neutral and non-polar, with leucine, which is neutral and non-polar, at codon 342 of the CDH2 protein (p.Val342Leu). This variant is not present in population databases (gnomAD no frequency). This variant has not been reported in the literature in individuals affected with CDH2-related conditions. An algorithm developed to predict the effect of missense changes on protein structure and function (PolyPhen-2) suggests that this variant is likely to be disruptive. In summary, the available evidence is currently insufficient to determine the role of this variant in disease. Therefore, it has been classified as a Variant of Uncertain Significance.